The following is an entry in ClinVar:

ClinVar aggregate classification (germline): Likely benign (1 of 4 stars; one submission).

Allele frequency attached by ClinVar (database versions not stated): ESP Exome Variant Server 0.00010; 1000 Genomes Project 30x 0.00016; 1000 Genomes Project 0.00020.
gnomAD v4.1: 77 of 1,577,348 alleles (0.0049%); highest among the groups gnomAD compares: Non-Finnish European, 0.0064%; no homozygotes.

Submission:

CeGaT Center for Human Genetics Tuebingen
Classification: Likely benign. Last evaluated: 2023-01-01. Review status: criteria provided, single submitter. Criteria: CeGaT Center For Human Genetics Tuebingen Variant Classification Criteria Version 2. Collection method: clinical testing. Allele origin: germline. Affected: yes. Observed: 1 variant allele.
Comment: TNRC18: BP4, BP7

NM_001080495.3(TNRC18):c.5739C>A (p.Thr1913=)

Gene: TNRC18 (trinucleotide repeat containing 18; minus strand). Cytogenetic location: 7p22.1.
Variant type: single nucleotide variant.
Coding change: c.5739C>A on transcript NM_001080495.3 (MANE Select); coding-DNA position 5739, C replaced by A.
Protein change: p.Thr1913=; no amino-acid change (threonine 1913 retained).
Molecular consequence: synonymous variant.
Genome position (GRCh38, 1-based): chr7:5,333,030, G>T on the plus strand (C>A on the coding strand, the complement: TNRC18 is on the minus strand). VCF-style: chr7-5333030-G-T. GRCh37 (hg19) VCF-style: chr7-5372661-G-T.
Identifiers: ClinVar variation 2657276 (VCV002657276.24), dbSNP rs375702369, ClinGen allele CA4144286.